The following is an entry in ClinVar:

NM_001556.3(IKBKB):c.1504G>A (p.Glu502Lys)

Gene: IKBKB (inhibitor of nuclear factor kappa B kinase subunit beta; plus strand). Cytogenetic location: 8p11.21.
Variant type: single nucleotide variant.
Coding change: c.1504G>A on transcript NM_001556.3 (MANE Select); coding-DNA position 1504, G replaced by A.
Protein change: p.Glu502Lys; replaces glutamic acid 502 with lysine.
Molecular consequence: missense variant. On other transcripts: non-coding transcript variant (3).
Genome position (GRCh38, 1-based): chr8:42,319,409, G>A. VCF-style: chr8-42319409-G-A. GRCh37 (hg19) VCF-style: chr8-42176927-G-A.
Other names: c.1312G>A, p.Glu438Lys (NM_001190720.3); c.1327G>A, p.Glu443Lys (NM_001242778.2); short protein forms E502K, E443K, E438K.
Identifiers: ClinVar variation 541644 (VCV000541644.17), dbSNP rs115698972, ClinGen allele CA4732009.

ClinVar aggregate classification (germline): Conflicting classifications of pathogenicity. Review status: criteria provided, conflicting classifications (1 of 4 stars). 6 submissions from 6 submitters: Uncertain significance (1); Benign (1); Likely benign (3). 1 of the submissions does not count toward it. Last evaluated 2026-09-01.

Conditions:
Inborn genetic diseases. Identifiers: MedGen C0950123, MeSH D030342.
IKBKB-related disorder. Also called: IKBKB-related condition.
Severe combined immunodeficiency due to IKK2 deficiency. Also called: Immunodeficiency 15; IMMUNODEFICIENCY 15B. Identifiers: Orphanet 397787, MedGen C4747743, MONDO:0014267, OMIM 615592.

Allele frequency attached by ClinVar (database versions not stated): gnomAD exomes 0.00031 and 0.00076; ExAC 0.00093; 1000 Genomes Project 0.00300; gnomAD 0.00316 and 0.00334; TOPMed 0.00361; ESP Exome Variant Server 0.00384; 1000 Genomes Project 30x 0.00390.
gnomAD v4.1: 943 of 1,614,174 alleles (0.058%); highest among the groups gnomAD compares: African/African-American, 1.1%; 4 homozygotes.

Submissions (6):

CeGaT Center for Human Genetics Tuebingen
Classification: Likely benign. Last evaluated: 2026-09-01. Review status: criteria provided, single submitter. Criteria: CeGaT Center For Human Genetics Tuebingen Variant Classification Criteria Version 2. Collection method: clinical testing. Allele origin: germline. Affected: yes. Observed: 1 variant allele.
Comment: IKBKB: BS1

Women's Health and Genetics/Laboratory Corporation of America, LabCorp
Classification: Likely benign. Last evaluated: 2026-04-01. Review status: criteria provided, single submitter. Criteria: LabCorp Variant Classification Summary - May 2015. Collection method: clinical testing. Allele origin: germline.
Comment: Variant summary: IKBKB c.1504G>A (p.Glu502Lys) results in a conservative amino acid change in the encoded protein sequence. Algorithms developed to predict the effect of missense changes on protein structure and function are either unavailable or do not agree on the potential impact of this missense change. The variant allele was found at a frequency of 0.00076 in 251456 control chromosomes, predominantly at a frequency of 0.011 within the African or African-American subpopulation in the gnomAD database, including 1 homozygotes. The observed variant frequency within African or African-American control individuals in the gnomAD database exceeds the estimated maximal expected allele frequency for disease-causing variants in IKBKB. To our knowledge, no occurrence of c.1504G>A in individuals affected with IKBKB-related conditions and no experimental evidence demonstrating its impact on protein function have been reported. ClinVar contains an entry for this variant (Variation ID: 541644). Based on the evidence outlined above, the variant was classified as likely benign.

Labcorp Genetics (formerly Invitae), Labcorp
Classification: Benign for Severe combined immunodeficiency due to IKK2 deficiency. Last evaluated: 2026-01-28. Review status: criteria provided, single submitter. Criteria: Invitae Variant Classification Sherloc (09022015). Collection method: clinical testing. Allele origin: germline.

Ambry Genetics
Classification: Uncertain significance for Inborn genetic diseases. Last evaluated: 2025-08-28. Review status: criteria provided, single submitter. Criteria: Ambry Variant Classification Scheme 2023. Collection method: clinical testing. Allele origin: germline.

Blueprint Genetics
Classification: Likely benign. Last evaluated: 2024-10-07. Review status: criteria provided, single submitter. Criteria: ACMG Guidelines, 2015. Collection method: clinical testing. Allele origin: germline.

PreventionGenetics, part of Exact Sciences
Classification: Benign for IKBKB-related condition. Last evaluated: 2024-02-18. Review status: no assertion criteria provided. Collection method: clinical testing. Allele origin: germline. Not counted in ClinVar's aggregate classification.
Comment: This variant is classified as benign based on ACMG/AMP sequence variant interpretation guidelines (Richards et al. 2015 PMID: 25741868, with internal and published modifications).